The following is an entry in ClinVar:

NM_022124.6(CDH23):c.1450-4G>A

Gene: CDH23 (cadherin related 23; plus strand). Cytogenetic location: 10q22.1.
Variant type: single nucleotide variant.
Coding change: c.1450-4G>A on transcript NM_022124.6 (MANE Select); 4 bases into the intron before coding-DNA position 1450, G replaced by A.
Molecular consequence: intron variant.
Genome position (GRCh38, 1-based): chr10:71,675,108, G>A. VCF-style: chr10-71675108-G-A. GRCh37 (hg19) VCF-style: chr10-73434865-G-A.
Other names: c.1450-4G>A (NM_001171930.2, NM_001171931.2).
Identifiers: ClinVar variation 178299 (VCV000178299.18), dbSNP rs374549358, ClinGen allele CA182065.

ClinVar aggregate classification (germline): Conflicting classifications of pathogenicity. Review status: criteria provided, conflicting classifications (1 of 4 stars). 4 submissions from 4 submitters: Uncertain significance (1); Likely benign (3). Last evaluated 2025-12-02.

Allele frequency attached by ClinVar (database versions not stated): gnomAD exomes 0.00001 and 0.00002; ExAC 0.00003; gnomAD 0.00009 and 0.00011; TOPMed 0.00013; ESP Exome Variant Server 0.00024.
gnomAD v4.1: 27 of 1,613,616 alleles (0.0017%); highest among the groups gnomAD compares: African/African-American, 0.035%; no homozygotes.

Submissions (4):

Labcorp Genetics (formerly Invitae), Labcorp
Classification: Likely benign. Last evaluated: 2025-12-02. Review status: criteria provided, single submitter. Criteria: Invitae Variant Classification Sherloc (09022015). Collection method: clinical testing. Allele origin: germline.

Blueprint Genetics
Classification: Likely benign. Last evaluated: 2024-06-20. Review status: criteria provided, single submitter. Criteria: ACMG Guidelines, 2015. Collection method: clinical testing. Allele origin: germline.

Eurofins Ntd Llc (ga)
Classification: Uncertain significance. Last evaluated: 2016-04-08. Review status: criteria provided, single submitter. Criteria: EGL Classification Definitions 2015. Collection method: clinical testing. Allele origin: germline. Observed: 1 variant allele, 1 heterozygote.

Laboratory for Molecular Medicine, Mass General Brigham Personalized Medicine
Classification: Likely benign. Last evaluated: 2012-04-30. Review status: criteria provided, single submitter. Criteria: LMM Criteria. Collection method: clinical testing. Allele origin: germline. Observed: 2 variant alleles.
Comment: 1450-4G>A in Intron 14 of CDH23: This variant is not expected to have clinical s ignificance because it is not located within the conserved splice consensus sequ ence and has been identified in 0.1% (2/3516) of African American chromosomes fr om a broad population by the NHLBI Exome Sequencing Project.